The following is an entry in ClinVar:

NM_024426.6(WT1):c.1013G>A (p.Ser338Asn)

Gene: WT1 (WT1 transcription factor; minus strand). Cytogenetic location: 11p13.
Variant type: single nucleotide variant.
Coding change: c.1013G>A on transcript NM_024426.6 (MANE Select); coding-DNA position 1013, G replaced by A.
Protein change: p.Ser338Asn; replaces serine 338 with asparagine.
Molecular consequence: missense variant. On other transcripts: non-coding transcript variant (1), intron variant (2).
Genome position (GRCh38, 1-based): chr11:32,416,493, C>T on the plus strand (G>A on the coding strand, the complement: WT1 is on the minus strand). VCF-style: chr11-32416493-C-T. GRCh37 (hg19) VCF-style: chr11-32438039-C-T.
Other names: c.362G>A, p.Ser121Asn (NM_001198551.2); c.1013G>A, p.Ser338Asn (NM_001407044.1, NM_001407046.1, NM_024424.5); c.890G>A, p.Ser297Asn (NM_001407047.1); c.251G>A, p.Ser84Asn (NM_001407051.1); c.965+1084G>A (NM_000378.6); c.314+1084G>A (NM_001198552.2); short protein forms S121N, S338N, S297N, S84N, S333N.
Identifiers: ClinVar variation 939155 (VCV000939155.13), dbSNP rs748112905, ClinGen allele CA066015.

ClinVar aggregate classification (germline): Conflicting classifications of pathogenicity. Review status: criteria provided, conflicting classifications (1 of 4 stars). 3 submissions from 3 submitters: Uncertain significance (2); Likely benign (1). Last evaluated 2025-01-17.

Conditions:
Inborn genetic diseases. Identifiers: MedGen C0950123, MeSH D030342.
Drash syndrome (DDS). Also called: WILMS TUMOR AND PSEUDO- OR TRUE HERMAPHRODITISM; NEPHROPATHY, WILMS TUMOR, AND GENITAL ANOMALIES. Identifiers: Orphanet 220, MedGen C0950121, MONDO:0008682, OMIM 194080.
Frasier syndrome. Identifiers: Orphanet 347, MedGen C0950122, MeSH D052159, MONDO:0007635, OMIM 136680.
Wilms tumor 1 (WT1). Also called: Wilms tumor, somatic. Identifiers: Orphanet 654, MedGen CN033288, MONDO:0008679, OMIM 194070.
11p partial monosomy syndrome (WAGR). Also called: WAGR syndrome; CHROMOSOME 11p13 DELETION SYNDROME; WAGR Complex; WAGR Spectrum Disorder. Identifiers: Orphanet 893, MedGen C0206115, MONDO:0008681, OMIM 194072.

Allele frequency attached by ClinVar (database versions not stated): gnomAD exomes below 0.00001 and 0.00001; ExAC 0.00001.
gnomAD v4.1: 2 of 1,614,176 alleles (0.00012%); highest among the groups gnomAD compares: Non-Finnish European, 0.00017%; no homozygotes.

Submissions (3):

Ambry Genetics
Classification: Likely benign for Inborn genetic diseases. Last evaluated: 2025-01-17. Review status: criteria provided, single submitter. Criteria: Ambry Variant Classification Scheme 2023. Collection method: clinical testing. Allele origin: germline.

Labcorp Genetics (formerly Invitae), Labcorp
Classification: Uncertain significance for Wilms tumor 1; Drash syndrome; 11p partial monosomy syndrome; Frasier syndrome. Last evaluated: 2024-05-01. Review status: criteria provided, single submitter. Criteria: Invitae Variant Classification Sherloc (09022015). Collection method: clinical testing. Allele origin: germline.
Comment: This sequence change replaces serine, which is neutral and polar, with asparagine, which is neutral and polar, at codon 333 of the WT1 protein (p.Ser333Asn). This variant is present in population databases (rs748112905, gnomAD 0.002%). This variant has not been reported in the literature in individuals affected with WT1-related conditions. ClinVar contains an entry for this variant (Variation ID: 939155). An algorithm developed to predict the effect of missense changes on protein structure and function (PolyPhen-2) suggests that this variant is likely to be disruptive. In summary, the available evidence is currently insufficient to determine the role of this variant in disease. Therefore, it has been classified as a Variant of Uncertain Significance.

GeneDx
Classification: Uncertain significance. Last evaluated: 2019-05-15. Review status: criteria provided, single submitter. Criteria: GeneDx Variant Classification Process June 2021. Collection method: clinical testing. Allele origin: germline. Affected: yes.
Comment: Not observed at a significant frequency in large population cohorts (Lek et al., 2016); In silico analysis, which includes protein predictors and evolutionary conservation, supports that this variant does not alter protein structure/function; Has not been previously published as pathogenic or benign to our knowledge